The following is an entry in ClinVar:

NM_000096.4(CP):c.2347G>A (p.Val783Met)

Gene: CP (ceruloplasmin; minus strand). Cytogenetic location: 3q24.
Variant type: single nucleotide variant.
Coding change: c.2347G>A on transcript NM_000096.4 (MANE Select); coding-DNA position 2347, G replaced by A.
Protein change: p.Val783Met; replaces valine 783 with methionine.
Molecular consequence: missense variant. On other transcripts: non-coding transcript variant (1).
Genome position (GRCh38, 1-based): chr3:149,183,544, C>T on the plus strand (G>A on the coding strand, the complement: CP is on the minus strand). VCF-style: chr3-149183544-C-T. GRCh37 (hg19) VCF-style: chr3-148901331-C-T.
Other names: short protein forms V783M.
Identifiers: ClinVar variation 2170971 (VCV002170971.1), dbSNP rs764198042, ClinGen allele CA2660779.

ClinVar aggregate classification (germline): Uncertain significance (1 of 4 stars; one submission).

Conditions:
Deficiency of ferroxidase (ACEP). Also called: Ceruloplasmin deficiency; Familial apoceruloplasmin deficiency; Hereditary ceruloplasmin deficiency; Deficiency of ceruloplasmin; Aceruloplasminemia; NEURODEGENERATION WITH BRAIN IRON ACCUMULATION 10. Identifiers: Orphanet 48818, MedGen C0878682, MONDO:0011426, OMIM 604290, HP:0025498.

Allele frequency attached by ClinVar (database versions not stated): gnomAD exomes below 0.00001; ExAC 0.00001; gnomAD 0.00001; TOPMed 0.00001.
gnomAD v4.1: 5 of 1,610,134 alleles (0.00031%); highest among the groups gnomAD compares: East Asian, 0.0089%; no homozygotes.

Submission:

Labcorp Genetics (formerly Invitae), Labcorp
Classification: Uncertain significance for Deficiency of ferroxidase. Last evaluated: 2022-02-10. Review status: criteria provided, single submitter. Criteria: Invitae Variant Classification Sherloc (09022015). Collection method: clinical testing. Allele origin: germline.
Comment: This sequence change replaces valine, which is neutral and non-polar, with methionine, which is neutral and non-polar, at codon 783 of the CP protein (p.Val783Met). This variant is present in population databases (rs764198042, gnomAD 0.03%). This variant has not been reported in the literature in individuals affected with CP-related conditions. Algorithms developed to predict the effect of missense changes on protein structure and function are either unavailable or do not agree on the potential impact of this missense change (SIFT: "Deleterious"; PolyPhen-2: "Benign"; Align-GVGD: "Class C0"). In summary, the available evidence is currently insufficient to determine the role of this variant in disease. Therefore, it has been classified as a Variant of Uncertain Significance.